The following is an entry in ClinVar:

NM_153710.5(STKLD1):c.725G>A (p.Arg242Gln)

Gene: STKLD1 (serine/threonine kinase like domain containing 1; plus strand). Cytogenetic location: 9q34.2.
Variant type: single nucleotide variant.
Coding change: c.725G>A on transcript NM_153710.5 (MANE Select); coding-DNA position 725, G replaced by A.
Protein change: p.Arg242Gln; replaces arginine 242 with glutamine.
Molecular consequence: missense variant. On other transcripts: non-coding transcript variant (1).
Genome position (GRCh38, 1-based): chr9:133,395,622, G>A. VCF-style: chr9-133395622-G-A. GRCh37 (hg19) VCF-style: chr9-136260749-G-A.
Other names: c.725G>A (NM_153710.4); short protein forms R242Q.
Identifiers: ClinVar variation 3450734 (VCV003450734.2).
Genomic context (GRCh38, chr9:133,395,622, plus strand): 5'-CTTAAGGGAATACACAGAGCTGTCCTCTCTCCGTGCAGGGCACAGAAGCCATGCATCTGC[G>A]GAAGTCCCTCCGCCAGAGCCCAGGCAGCCTGAAGGCCGTCCTGAAGACAATGGAGGAGAA-3'
Protein context (NP_714921.4, residues 232-252): FMDGTEAMHL[Arg242Gln]KSLRQSPGSL

ClinVar aggregate classification (germline): Uncertain significance. Review status: criteria provided, multiple submitters, no conflicts (2 of 4 stars). 2 submissions from 2 submitters: Uncertain significance (2). Last evaluated 2025-04-23.

Conditions:
STKLD1-related disorder. Also called: STKLD1-related condition.

gnomAD v4.1: 87 of 1,613,108 alleles (0.0054%); highest among the groups gnomAD compares: South Asian, 0.071%; 1 homozygote.

Submissions (2):

PreventionGenetics, part of Exact Sciences
Classification: Uncertain significance for STKLD1-related condition. Last evaluated: 2025-04-23. Review status: criteria provided, single submitter. Criteria: ACMG Guidelines, 2015. Collection method: clinical testing. Allele origin: germline.
Comment: The STKLD1 c.725G>A variant is predicted to result in the amino acid substitution p.Arg242Gln. To our knowledge, this variant has not been reported in the literature. This variant is reported in 0.091% of alleles in individuals of South Asian descent in gnomAD. Although we suspect that this variant may be benign, at this time, the clinical significance of this variant is uncertain due to the absence of conclusive functional and genetic evidence.

Ambry Genetics
Classification: Uncertain significance. Last evaluated: 2024-10-04. Review status: criteria provided, single submitter. Criteria: Ambry Variant Classification Scheme 2023. Collection method: clinical testing. Allele origin: germline.